The following is an entry in ClinVar:

NM_003072.5(SMARCA4):c.226A>T (p.Met76Leu)

Gene: SMARCA4 (SWI/SNF related BAF chromatin remodeling complex subunit ATPase 4; plus strand). Cytogenetic location: 19p13.2.
Variant type: single nucleotide variant.
Coding change: c.226A>T on transcript NM_003072.5 (MANE Select); coding-DNA position 226, A replaced by T.
Protein change: p.Met76Leu; replaces methionine 76 with leucine.
Molecular consequence: missense variant. On other transcripts: non-coding transcript variant (1).
Genome position (GRCh38, 1-based): chr19:10,985,276, A>T. VCF-style: chr19-10985276-A-T. GRCh37 (hg19) VCF-style: chr19-11095952-A-T.
Other names: c.226A>T, p.Met76Leu (NM_001128844.3, NM_001128845.2, NM_001128846.2 and 5 more transcripts); short protein forms M76L.
Identifiers: ClinVar variation 1692582 (VCV001692582.1), dbSNP rs1225673675, ClinGen allele CA404055076.

ClinVar aggregate classification (germline): Uncertain significance (1 of 4 stars; one submission).

Conditions:
Hereditary cancer-predisposing syndrome. Also called: Hereditary Cancer Syndrome; Hereditary neoplastic syndrome; Neoplastic Syndromes, Hereditary; Tumor predisposition. Identifiers: Orphanet 140162, MedGen C0027672, MeSH D009386, MONDO:0015356.

Submission:

Sema4
Classification: Uncertain significance for Hereditary cancer-predisposing syndrome. Last evaluated: 2022-03-12. Review status: criteria provided, single submitter. Criteria: Sema4 Curation Guidelines. Collection method: curation. Allele origin: germline.
Comment: The SMARCA4 c.226A>T (p.M76L) variant has not been reported in the literature to our knowledge. This variant is not reported in the population database Genome Aggregation Database (PMID: 32461654). The variant has not been reported in ClinVar. Functional studies have not been performed, and in silico predictions of the variant's effect on protein function are inconclusive. The evidence is insufficient to meet ACMG/AMP criteria for classifying the variant as benign or pathogenic. Thus, the clinical significance of this variant is currently uncertain.